The following is an entry in ClinVar:

ClinVar aggregate classification (germline): Uncertain significance (1 of 4 stars; one submission).

Allele frequency attached by ClinVar (database versions not stated): gnomAD exomes below 0.00001; ExAC 0.00001; gnomAD 0.00001; TOPMed 0.00002.
gnomAD v4.1: 8 of 1,614,018 alleles (0.0005%); highest among the groups gnomAD compares: South Asian, 0.0022%; no homozygotes.

Submission:

Labcorp Genetics (formerly Invitae), Labcorp
Classification: Uncertain significance. Last evaluated: 2021-02-22. Review status: criteria provided, single submitter. Criteria: Invitae Variant Classification Sherloc (09022015). Collection method: clinical testing. Allele origin: germline.
Comment: In summary, the available evidence is currently insufficient to determine the role of this variant in disease. Therefore, it has been classified as a Variant of Uncertain Significance. Algorithms developed to predict the effect of missense changes on protein structure and function (SIFT, PolyPhen-2, Align-GVGD) all suggest that this variant is likely to be disruptive, but these predictions have not been confirmed by published functional studies and their clinical significance is uncertain. This variant has not been reported in the literature in individuals with SLCO2A1-related conditions. This variant is present in population databases (rs776702326, ExAC 0.002%). This sequence change replaces aspartic acid with glutamic acid at codon 250 of the SLCO2A1 protein (p.Asp250Glu). The aspartic acid residue is highly conserved and there is a small physicochemical difference between aspartic acid and glutamic acid.

NM_005630.3(SLCO2A1):c.750C>A (p.Asp250Glu)

Gene: SLCO2A1 (solute carrier organic anion transporter family member 2A1; minus strand). Cytogenetic location: 3q22.1.
Variant type: single nucleotide variant.
Coding change: c.750C>A on transcript NM_005630.3 (MANE Select); coding-DNA position 750, C replaced by A.
Protein change: p.Asp250Glu; replaces aspartic acid 250 with glutamic acid.
Molecular consequence: missense variant.
Genome position (GRCh38, 1-based): chr3:133,951,319, G>T on the plus strand (C>A on the coding strand, the complement: SLCO2A1 is on the minus strand). VCF-style: chr3-133951319-G-T. GRCh37 (hg19) VCF-style: chr3-133670163-G-T.
Other names: short protein forms D250E.
Identifiers: ClinVar variation 1465969 (VCV001465969.8), dbSNP rs776702326, ClinGen allele CA2626712.